The following is an entry in ClinVar:

ClinVar aggregate classification (germline): Conflicting classifications of pathogenicity. Review status: criteria provided, conflicting classifications (1 of 4 stars). 2 submissions from 2 submitters: Uncertain significance (1); Likely benign (1). Last evaluated 2026-08-11.

Conditions:
Hereditary cancer-predisposing syndrome. Also called: Tumor predisposition; Hereditary neoplastic syndrome; Neoplastic Syndromes, Hereditary; Hereditary Cancer Syndrome. Identifiers: Orphanet 140162, MedGen C0027672, MeSH D009386, MONDO:0015356.
Hereditary breast ovarian cancer syndrome. Also called: Hereditary breast and ovarian cancer; Hereditary breast and ovarian cancer syndrome (HBOC); Hereditary breast and/or ovarian cancer syndrome; Hereditary breast and ovarian cancer syndrome; Breast and ovarian cancer; BRCA1- and BRCA2-Associated Hereditary Breast and Ovarian Cancer. Identifiers: Orphanet 145, MedGen C0677776, MeSH D061325, MONDO:0003582. Disease mechanism: loss of function.

Submissions (3):

Ambry Genetics
Classification: Likely benign for Hereditary cancer-predisposing syndrome. Last evaluated: 2026-08-11. Review status: criteria provided, single submitter. Criteria: Ambry Variant Classification Scheme 2023. Collection method: clinical testing. Allele origin: germline.

Labcorp Genetics (formerly Invitae), Labcorp
Classification: Uncertain significance for Hereditary breast ovarian cancer syndrome. Last evaluated: 2024-05-06. Review status: criteria provided, single submitter. Criteria: Invitae Variant Classification Sherloc (09022015). Collection method: clinical testing. Allele origin: germline.
Comment: This sequence change replaces glutamic acid, which is acidic and polar, with glycine, which is neutral and non-polar, at codon 1635 of the BRCA1 protein (p.Glu1635Gly). This variant is not present in population databases (gnomAD no frequency). This variant has not been reported in the literature in individuals affected with BRCA1-related conditions. ClinVar contains an entry for this variant (Variation ID: 868839). Advanced modeling performed at Invitae incorporating data from internal and/or published experimental studies (PMID: 30209399) indicates that this missense variant is not expected to disrupt BRCA1 function with a negative predictive value of 95%. In summary, the available evidence is currently insufficient to determine the role of this variant in disease. Therefore, it has been classified as a Variant of Uncertain Significance.

Brotman Baty Institute, University of Washington
No classification provided (evidence only). Condition: Breast-ovarian cancer, familial 1. Review status: no classification provided. Collection method: in vitro. Allele origin: not applicable. Functional consequence: functionally_normal. Not counted in ClinVar's aggregate classification.
ClinVar note: "not provided" was previously submitted as the classification for the variant. However, the classification appeared to be based only on an observation of functional data so it was converted to no classification on 2025-07-30.

Literature cited by the submitters: PubMed 30209399 (cited by Ambry Genetics and Labcorp Genetics (formerly Invitae), Labcorp).

NM_007294.4(BRCA1):c.4904A>G (p.Glu1635Gly)

Gene: BRCA1 (BRCA1 DNA repair associated; minus strand). Cytogenetic location: 17q21.31.
Variant type: single nucleotide variant.
Coding change: c.4904A>G on transcript NM_007294.4 (MANE Select); coding-DNA position 4904, A replaced by G.
Protein change: p.Glu1635Gly; replaces glutamic acid 1635 with glycine.
Molecular consequence: missense variant. On other transcripts: non-coding transcript variant (1).
Genome position (GRCh38, 1-based): chr17:43,071,010, T>C on the plus strand (A>G on the coding strand, the complement: BRCA1 is on the minus strand). VCF-style: chr17-43071010-T-C. GRCh37 (hg19) VCF-style: chr17-41223027-T-C.
Other names: c.1469A>G, p.Glu490Gly (NM_001408435.1, NM_001408436.1, NM_001408437.1 and 10 more transcripts); c.1454A>G, p.Glu485Gly (NM_001408452.1, NM_001408453.1, NM_001408454.1 and 3 more transcripts); c.1451A>G, p.Glu484Gly (NM_001408458.1, NM_001408459.1, NM_001408460.1 and 7 more transcripts); c.1592A>G, p.Glu531Gly (NM_001408472.1, NM_007298.4, NM_007299.4 and 13 more transcripts); c.1589A>G, p.Glu530Gly (NM_001408473.1, NM_001408392.1, NM_001408396.1 and 8 more transcripts); c.1394A>G, p.Glu465Gly (NM_001408474.1); c.1391A>G, p.Glu464Gly (NM_001408475.1, NM_001408476.1); c.1385A>G, p.Glu462Gly (NM_001408478.1, NM_001408479.1, NM_001408480.1); and 70 more; short protein forms E1656G, E1635G, E531G, E1588G, E1507G, E1565G, E1566G, E1587G.
Identifiers: ClinVar variation 868839 (VCV000868839.6), dbSNP rs2052383280, ClinGen allele CA10591717.
Genomic context (GRCh38, chr17:43,071,010, plus strand): 5'-GACACCACCATGGACATTCTTTTGTTGACCCTTTCTGTTGAAGCTGTCAATTCTGGCTTC[T>C]CCCTGCTCACACTTTCTTCCATTGCATTATACCCAGCAGTATCAGTAGTATGAGCAGCAG-3'
Protein context (NP_009225.1, residues 1625-1645): YNAMEESVSR[Glu1635Gly]KPELTASTER